The following is an entry in ClinVar:

ClinVar aggregate classification (germline): Uncertain significance (1 of 4 stars; one submission).

Submission:

GeneDx
Classification: Uncertain significance. Last evaluated: 2023-07-14. Review status: criteria provided, single submitter. Criteria: GeneDx Variant Classification Process June 2021. Collection method: clinical testing. Allele origin: germline. Affected: yes.
Comment: Not observed at significant frequency in large population cohorts (gnomAD); In silico analysis supports that this missense variant has a deleterious effect on protein structure/function; Has not been previously published as pathogenic or benign to our knowledge

NM_001875.5(CPS1):c.2204C>T (p.Ala735Val)

Gene: CPS1 (carbamoyl-phosphate synthase 1; plus strand). Cytogenetic location: 2q34.
Variant type: single nucleotide variant.
Coding change: c.2204C>T on transcript NM_001875.5 (MANE Select); coding-DNA position 2204, C replaced by T.
Protein change: p.Ala735Val; replaces alanine 735 with valine.
Molecular consequence: missense variant. On other transcripts: non-coding transcript variant (2).
Genome position (GRCh38, 1-based): chr2:210,608,372, C>T. VCF-style: chr2-210608372-C-T. GRCh37 (hg19) VCF-style: chr2-211473096-C-T.
Other names: c.2204C>T, p.Ala735Val (NM_001122633.3, NM_001369257.1); c.2237C>T, p.Ala746Val (NM_001369256.1); short protein forms A735V, A746V.
Identifiers: ClinVar variation 3361046 (VCV003361046.1).